The following is an entry in ClinVar:

NM_001040108.2(MLH3):c.3581A>C (p.Gln1194Pro)

Gene: MLH3 (mutL homolog 3; minus strand). Cytogenetic location: 14q24.3.
Variant type: single nucleotide variant.
Coding change: c.3581A>C on transcript NM_001040108.2 (MANE Select); coding-DNA position 3581, A replaced by C.
Protein change: p.Gln1194Pro; replaces glutamine 1194 with proline.
Molecular consequence: missense variant.
Genome position (GRCh38, 1-based): chr14:75,038,402, T>G on the plus strand (A>C on the coding strand, the complement: MLH3 is on the minus strand). VCF-style: chr14-75038402-T-G. GRCh37 (hg19) VCF-style: chr14-75505105-T-G.
Other names: c.3581A>C, p.Gln1194Pro (NM_014381.3); short protein forms Q1194P.
Identifiers: ClinVar variation 4108663 (VCV004108663.1).

ClinVar aggregate classification (germline): Uncertain significance (1 of 4 stars; one submission).

Submission:

Ambry Genetics
Classification: Uncertain significance. Last evaluated: 2025-08-10. Review status: criteria provided, single submitter. Criteria: Ambry Variant Classification Scheme 2023. Collection method: clinical testing. Allele origin: germline.
Comment: The p.Q1194P variant (also known as c.3581A>C), located in coding exon 5 of the MLH3 gene, results from an A to C substitution at nucleotide position 3581. The glutamine at codon 1194 is replaced by proline, an amino acid with similar properties. This amino acid position is conserved. In addition, this alteration is predicted to be deleterious by in silico analysis. Based on the available evidence, the clinical significance of this variant remains unclear.